The following is an entry in ClinVar:

ClinVar aggregate classification (germline): Pathogenic (1 of 4 stars; one submission).

Conditions:
Schimke immuno-osseous dysplasia (SIOD). Also called: Schimke Immunoosseous Dysplasia. Identifiers: Orphanet 1830, MedGen C0877024, MONDO:0009458, OMIM 242900.

Submission:

Labcorp Genetics (formerly Invitae), Labcorp
Classification: Pathogenic for Schimke immuno-osseous dysplasia. Last evaluated: 2024-08-16. Review status: criteria provided, single submitter. Criteria: Invitae Variant Classification Sherloc (09022015). Collection method: clinical testing. Allele origin: germline.
Comment: This sequence change creates a premature translational stop signal (p.Pro502Hisfs*3) in the SMARCAL1 gene. It is expected to result in an absent or disrupted protein product. Loss-of-function variants in SMARCAL1 are known to be pathogenic (PMID: 11799392, 20301550). This variant is not present in population databases (gnomAD no frequency). This premature translational stop signal has been observed in individual(s) with SMARCAL1-related conditions (Invitae). ClinVar contains an entry for this variant (Variation ID: 937038). For these reasons, this variant has been classified as Pathogenic.

Literature cited by the submitters: PubMed 11799392; PubMed 20301550.

NM_014140.4(SMARCAL1):c.1503del (p.Pro502fs)

Gene: SMARCAL1 (SNF2 related chromatin remodeling annealing helicase 1; plus strand). Cytogenetic location: 2q35.
Variant type: Deletion.
Coding change: c.1503del on transcript NM_014140.4 (MANE Select); coding-DNA position 1503, one base deleted (G; older notation c.1503delG).
Protein change: p.Pro502fs; shifts the reading frame from proline 502.
Molecular consequence: frameshift variant.
Genome position (GRCh38, 1-based): chr2:216,435,355, G deleted. VCF-style (leftmost placement, unchanged base first): chr2-216435354-TG-T. GRCh37 (hg19) VCF-style: chr2-217300077-TG-T.
Other names: c.1503del, p.Pro502fs (NM_001127207.2); short protein forms P502fs.
Identifiers: ClinVar variation 937038 (VCV000937038.8), dbSNP rs1694058662, ClinGen allele CA1139657686.